The following is an entry in ClinVar:

NM_017671.5(FERMT1):c.977C>T (p.Ser326Leu)

Gene: FERMT1 (FERM domain containing kindlin 1; minus strand). Cytogenetic location: 20p12.3.
Variant type: single nucleotide variant.
Coding change: c.977C>T on transcript NM_017671.5 (MANE Select); coding-DNA position 977, C replaced by T.
Protein change: p.Ser326Leu; replaces serine 326 with leucine.
Molecular consequence: missense variant.
Genome position (GRCh38, 1-based): chr20:6,097,014, G>A on the plus strand (C>T on the coding strand, the complement: FERMT1 is on the minus strand). VCF-style: chr20-6097014-G-A. GRCh37 (hg19) VCF-style: chr20-6077661-G-A.
Other names: short protein forms S326L.
Identifiers: ClinVar variation 2412181 (VCV002412181.5), dbSNP rs1465787805, ClinGen allele CA408182769.
Genomic context (GRCh38, chr20:6,097,014, plus strand): 5'-GCCGCTTCTATTTCATCAACCTCGGACTCGCCTGCAAAATCCTGTGTTTCAGCAGACAAC[G>A]ACAGTTTGCTAATGTGGTACTAAAATGAAAACAGACGTTTTAGAAATGTTATAAACAGAA-3'
Protein context (NP_060141.3, residues 316-336): AALQYHISKL[Ser326Leu]LSAETQDFAG

ClinVar aggregate classification (germline): Uncertain significance. Review status: criteria provided, multiple submitters, no conflicts (2 of 4 stars). 2 submissions from 2 submitters: Uncertain significance (2). Last evaluated 2024-09-05.

Conditions:
Inborn genetic diseases. Identifiers: MedGen C0950123, MeSH D030342.

Allele frequency attached by ClinVar (database versions not stated): gnomAD exomes below 0.00001; gnomAD 0.00005.
gnomAD v4.1: 13 of 1,613,600 alleles (0.00081%); highest among the groups gnomAD compares: Admixed American, 0.01%; no homozygotes.

Submissions (2):

Labcorp Genetics (formerly Invitae), Labcorp
Classification: Uncertain significance. Last evaluated: 2024-09-05. Review status: criteria provided, single submitter. Criteria: Invitae Variant Classification Sherloc (09022015). Collection method: clinical testing. Allele origin: germline.
Comment: This sequence change replaces serine, which is neutral and polar, with leucine, which is neutral and non-polar, at codon 326 of the FERMT1 protein (p.Ser326Leu). This variant is present in population databases (no rsID available, gnomAD no frequency). This variant has not been reported in the literature in individuals affected with FERMT1-related conditions. ClinVar contains an entry for this variant (Variation ID: 2412181). Invitae Evidence Modeling of protein sequence and biophysical properties (such as structural, functional, and spatial information, amino acid conservation, physicochemical variation, residue mobility, and thermodynamic stability) indicates that this missense variant is not expected to disrupt FERMT1 protein function with a negative predictive value of 80%. In summary, the available evidence is currently insufficient to determine the role of this variant in disease. Therefore, it has been classified as a Variant of Uncertain Significance.

Ambry Genetics
Classification: Uncertain significance for Inborn genetic diseases. Last evaluated: 2021-09-17. Review status: criteria provided, single submitter. Criteria: Ambry Variant Classification Scheme 2023. Collection method: clinical testing. Allele origin: germline.